The following is an entry in ClinVar:

NM_001378457.1(DMXL2):c.2004C>T (p.Ser668=)

Gene: DMXL2 (Dmx like 2; minus strand). Cytogenetic location: 15q21.2.
Variant type: single nucleotide variant.
Coding change: c.2004C>T on transcript NM_001378457.1 (MANE Select); coding-DNA position 2004, C replaced by T.
Protein change: p.Ser668=; no amino-acid change (serine 668 retained).
Molecular consequence: synonymous variant. On other transcripts: non-coding transcript variant (2).
Genome position (GRCh38, 1-based): chr15:51,536,476, G>A on the plus strand (C>T on the coding strand, the complement: DMXL2 is on the minus strand). VCF-style: chr15-51536476-G-A. GRCh37 (hg19) VCF-style: chr15-51828673-G-A.
Other names: c.2004C>T, p.Ser668= (NM_001174116.3, NM_001174117.3, NM_001378458.1 and 6 more transcripts); c.1764C>T, p.Ser588= (NM_001378464.1).
Identifiers: ClinVar variation 2985780 (VCV002985780.25), dbSNP rs2548605764, ClinGen allele CA490598342.

ClinVar aggregate classification (germline): Likely benign. Review status: criteria provided, multiple submitters, no conflicts (2 of 4 stars). 2 submissions from 2 submitters: Likely benign (2). Last evaluated 2023-12-01.

Allele frequency attached by ClinVar (database versions not stated): gnomAD exomes below 0.00001.
gnomAD v4.1: 5 of 1,613,930 alleles (0.00031%); highest among the groups gnomAD compares: Non-Finnish European, 0.00042%; no homozygotes.

Submissions (2):

CeGaT Center for Human Genetics Tuebingen
Classification: Likely benign. Last evaluated: 2023-12-01. Review status: criteria provided, single submitter. Criteria: CeGaT Center For Human Genetics Tuebingen Variant Classification Criteria Version 2. Collection method: clinical testing. Allele origin: germline. Affected: yes. Observed: 1 variant allele.
Comment: DMXL2: PM2:Supporting, BP4, BP7

Labcorp Genetics (formerly Invitae), Labcorp
Classification: Likely benign. Last evaluated: 2022-12-22. Review status: criteria provided, single submitter. Criteria: Invitae Variant Classification Sherloc (09022015). Collection method: clinical testing. Allele origin: germline.